The following is an entry in ClinVar:

NM_006059.4(LAMC3):c.2128A>G (p.Asn710Asp)

Gene: LAMC3 (laminin subunit gamma 3; plus strand). Cytogenetic location: 9q34.12.
Variant type: single nucleotide variant.
Coding change: c.2128A>G on transcript NM_006059.4 (MANE Select); coding-DNA position 2128, A replaced by G.
Protein change: p.Asn710Asp; replaces asparagine 710 with aspartic acid.
Molecular consequence: missense variant.
Genome position (GRCh38, 1-based): chr9:131,057,117, A>G. VCF-style: chr9-131057117-A-G. GRCh37 (hg19) VCF-style: chr9-133932504-A-G.
Other names: short protein forms N710D.
Identifiers: ClinVar variation 1375509 (VCV001375509.6), dbSNP rs138482262, ClinGen allele CA375266361.
Genomic context (GRCh38, chr9:131,057,117, plus strand): 5'-GGATACAAGAGGGAGATGCCACAGGGGGGTCCCTATGCCAGCTGTGTCCCCTGCACCTGT[A>G]ACCAGCATGGCACCTGTGACCCCAACACAGGTGAGTCTCCTGGCACCCCATCCGAAGGCA-3'
Protein context (NP_006050.3, residues 700-720): PYASCVPCTC[Asn710Asp]QHGTCDPNTG

ClinVar aggregate classification (germline): Uncertain significance (1 of 4 stars; one submission).

gnomAD v4.1: 2 of 1,614,136 alleles (0.00012%); highest among the groups gnomAD compares: Admixed American, 0.0017%; no homozygotes.

Submission:

Labcorp Genetics (formerly Invitae), Labcorp
Classification: Uncertain significance. Last evaluated: 2021-11-18. Review status: criteria provided, single submitter. Criteria: Invitae Variant Classification Sherloc (09022015). Collection method: clinical testing. Allele origin: germline.
Comment: In summary, the available evidence is currently insufficient to determine the role of this variant in disease. Therefore, it has been classified as a Variant of Uncertain Significance. Algorithms developed to predict the effect of missense changes on protein structure and function are either unavailable or do not agree on the potential impact of this missense change (SIFT: "Tolerated"; PolyPhen-2: "Probably Damaging"; Align-GVGD: "Class C0"). This variant has not been reported in the literature in individuals affected with LAMC3-related conditions. This variant is present in population databases (no rsID available, gnomAD 0.0009%). This sequence change replaces asparagine, which is neutral and polar, with aspartic acid, which is acidic and polar, at codon 710 of the LAMC3 protein (p.Asn710Asp).